The following is an entry in ClinVar:

NM_003640.5(ELP1):c.1164G>C (p.Leu388Phe)

Gene: ELP1 (elongator acetyltransferase complex subunit 1; minus strand). Cytogenetic location: 9q31.3.
Variant type: single nucleotide variant.
Coding change: c.1164G>C on transcript NM_003640.5 (MANE Select); coding-DNA position 1164, G replaced by C.
Protein change: p.Leu388Phe; replaces leucine 388 with phenylalanine.
Molecular consequence: missense variant.
Genome position (GRCh38, 1-based): chr9:108,912,289, C>G on the plus strand (G>C on the coding strand, the complement: ELP1 is on the minus strand). VCF-style: chr9-108912289-C-G. GRCh37 (hg19) VCF-style: chr9-111674569-C-G.
Other names: c.822G>C, p.Leu274Phe (NM_001318360.2); c.117G>C, p.Leu39Phe (NM_001330749.2); short protein forms L274F, L388F, L39F.
Identifiers: ClinVar variation 2135563 (VCV002135563.4), dbSNP rs2537925923, ClinGen allele CA374429281.

ClinVar aggregate classification (germline): Uncertain significance (1 of 4 stars; one submission).

Submission:

Labcorp Genetics (formerly Invitae), Labcorp
Classification: Uncertain significance. Last evaluated: 2022-10-10. Review status: criteria provided, single submitter. Criteria: Invitae Variant Classification Sherloc (09022015). Collection method: clinical testing. Allele origin: germline.
Comment: In summary, the available evidence is currently insufficient to determine the role of this variant in disease. Therefore, it has been classified as a Variant of Uncertain Significance. Advanced modeling of protein sequence and biophysical properties (such as structural, functional, and spatial information, amino acid conservation, physicochemical variation, residue mobility, and thermodynamic stability) performed at Invitae indicates that this missense variant is not expected to disrupt ELP1 protein function. This variant has not been reported in the literature in individuals affected with ELP1-related conditions. This variant is not present in population databases (gnomAD no frequency). This sequence change replaces leucine, which is neutral and non-polar, with phenylalanine, which is neutral and non-polar, at codon 388 of the ELP1 protein (p.Leu388Phe).